The following is an entry in ClinVar:

ClinVar aggregate classification (germline): Uncertain significance. Review status: criteria provided, multiple submitters, no conflicts (2 of 4 stars). 2 submissions from 2 submitters: Uncertain significance (2). Last evaluated 2022-04-12.

Conditions:
Hereditary cancer-predisposing syndrome. Also called: Neoplastic Syndromes, Hereditary; Hereditary neoplastic syndrome; Tumor predisposition; Hereditary Cancer Syndrome. Identifiers: Orphanet 140162, MedGen C0027672, MeSH D009386, MONDO:0015356.
Neurofibromatosis, type 2 (SWNV). Also called: BILATERAL ACOUSTIC NEUROFIBROMATOSIS; SCHWANNOMATOSIS, VESTIBULAR; NF2-Related Schwannomatosis. Identifiers: Orphanet 637, MedGen C0027832, MONDO:0007039, OMIM 101000. Disease mechanism: loss of function.

Submissions (2):

Ambry Genetics
Classification: Uncertain significance for Hereditary cancer-predisposing syndrome. Last evaluated: 2022-04-12. Review status: criteria provided, single submitter. Criteria: Ambry Variant Classification Scheme 2023. Collection method: clinical testing. Allele origin: germline.
Comment: The p.F118V variant (also known as c.352T>G), located in coding exon 3 of the NF2 gene, results from a T to G substitution at nucleotide position 352. The phenylalanine at codon 118 is replaced by valine, an amino acid with highly similar properties. This amino acid position is conserved. In addition, this alteration is predicted to be deleterious by in silico analysis. Since supporting evidence is limited at this time, the clinical significance of this alteration remains unclear.

Labcorp Genetics (formerly Invitae), Labcorp
Classification: Uncertain significance for Neurofibromatosis, type 2. Last evaluated: 2020-02-26. Review status: criteria provided, single submitter. Criteria: Invitae Variant Classification Sherloc (09022015). Collection method: clinical testing. Allele origin: germline.
Comment: This sequence change replaces phenylalanine with valine at codon 118 of the NF2 protein (p.Phe118Val). The phenylalanine residue is highly conserved and there is a small physicochemical difference between phenylalanine and valine. This variant is not present in population databases (ExAC no frequency). This variant has not been reported in the literature in individuals with NF2-related conditions. Algorithms developed to predict the effect of missense changes on protein structure and function are either unavailable or do not agree on the potential impact of this missense change (SIFT: "Tolerated"; PolyPhen-2: "Probably Damaging"; Align-GVGD: "Class C0"). In summary, the available evidence is currently insufficient to determine the role of this variant in disease. Therefore, it has been classified as a Variant of Uncertain Significance.

NM_000268.4(NF2):c.352T>G (p.Phe118Val)

Gene: NF2 (NF2, moesin-ezrin-radixin like (MERLIN) tumor suppressor; plus strand). Cytogenetic location: 22q12.2.
Variant type: single nucleotide variant.
Coding change: c.352T>G on transcript NM_000268.4 (MANE Select); coding-DNA position 352, T replaced by G.
Protein change: p.Phe118Val; replaces phenylalanine 118 with valine.
Molecular consequence: missense variant. On other transcripts: non-coding transcript variant (1), intron variant (3).
Genome position (GRCh38, 1-based): chr22:29,639,201, T>G. VCF-style: chr22-29639201-T-G. GRCh37 (hg19) VCF-style: chr22-30035190-T-G.
Other names: c.352T>G, p.Phe118Val (NM_016418.5, NM_181825.3, NM_181832.3 and 1 more transcripts); c.226T>G, p.Phe76Val (NM_181828.3); c.240+2325T>G (NM_181829.3); c.115-3001T>G (NM_181830.3, NM_181831.3); short protein forms F118V, F76V.
Identifiers: ClinVar variation 859519 (VCV000859519.12), dbSNP rs2065733287, ClinGen allele CA411153375.